The following is an entry in ClinVar:

ClinVar aggregate classification (germline): Uncertain significance (1 of 4 stars; one submission).

Allele frequency attached by ClinVar (database versions not stated): gnomAD exomes below 0.00001.
gnomAD v4.1: 1 of 1,613,222 alleles (0.000062%); highest among the groups gnomAD compares: African/African-American, 0.0013%; no homozygotes.

Submission:

Labcorp Genetics (formerly Invitae), Labcorp
Classification: Uncertain significance. Last evaluated: 2022-07-16. Review status: criteria provided, single submitter. Criteria: Invitae Variant Classification Sherloc (09022015). Collection method: clinical testing. Allele origin: germline.
Comment: This sequence change replaces leucine, which is neutral and non-polar, with valine, which is neutral and non-polar, at codon 1397 of the CCDC88A protein (p.Leu1397Val). This variant is not present in population databases (gnomAD no frequency). This variant has not been reported in the literature in individuals affected with CCDC88A-related conditions. Algorithms developed to predict the effect of missense changes on protein structure and function are either unavailable or do not agree on the potential impact of this missense change (SIFT: "Deleterious"; PolyPhen-2: "Benign"; Align-GVGD: "Class C0"). In summary, the available evidence is currently insufficient to determine the role of this variant in disease. Therefore, it has been classified as a Variant of Uncertain Significance.

NM_001365480.1(CCDC88A):c.4192C>G (p.Leu1398Val)

Gene: CCDC88A (coiled-coil domain containing 88A; minus strand). Cytogenetic location: 2p16.1.
Variant type: single nucleotide variant.
Coding change: c.4192C>G on transcript NM_001365480.1 (MANE Select); coding-DNA position 4192, C replaced by G.
Protein change: p.Leu1398Val; replaces leucine 1398 with valine.
Molecular consequence: missense variant.
Genome position (GRCh38, 1-based): chr2:55,309,004, G>C on the plus strand (C>G on the coding strand, the complement: CCDC88A is on the minus strand). VCF-style: chr2-55309004-G-C. GRCh37 (hg19) VCF-style: chr2-55536140-G-C.
Other names: c.4189C>G, p.Leu1397Val (NM_001135597.2, NM_001254943.2); c.4192C>G, p.Leu1398Val (NM_018084.5); short protein forms L1397V, L1398V.
Identifiers: ClinVar variation 1964654 (VCV001964654.4), dbSNP rs770315582, ClinGen allele CA346884765.